The following is an entry in ClinVar:

NM_019032.6(ADAMTSL4):c.657_658del (p.Ser220fs)

Genes: ADAMTSL4 (ADAMTS like 4; plus strand), ADAMTSL4-AS2 (ADAMTSL4 antisense RNA 2; minus strand). Cytogenetic location: 1q21.2.
Variant type: Deletion.
Coding change: c.657_658del on transcript NM_019032.6 (MANE Select); coding-DNA positions 657 to 658, 2 bases deleted (GT; older notation c.657_658delGT).
Protein change: p.Ser220fs; shifts the reading frame from serine 220.
Molecular consequence: frameshift variant.
Genome position (GRCh38, 1-based): chr1:150,553,648-150,553,649, GT deleted; deleting any 2 consecutive bases within chr1:150,553,647-150,553,649 gives the same sequence; the c. name uses the placement nearest the transcript's 3' end. VCF-style (leftmost placement, unchanged base first): chr1-150553646-CTG-C. GRCh37 (hg19) VCF-style: chr1-150526122-CTG-C.
Other names: c.657_658del, p.Ser220fs (NM_001288607.2, NM_001288608.2, NM_001378596.1 and 1 more transcripts); short protein forms S220fs.
Identifiers: ClinVar variation 2776588 (VCV002776588.3), dbSNP rs1671676200, ClinGen allele CA2479209192.

ClinVar aggregate classification (germline): Pathogenic (1 of 4 stars; one submission).

Submission:

Labcorp Genetics (formerly Invitae), Labcorp
Classification: Pathogenic. Last evaluated: 2023-06-11. Review status: criteria provided, single submitter. Criteria: Invitae Variant Classification Sherloc (09022015). Collection method: clinical testing. Allele origin: germline.
Comment: For these reasons, this variant has been classified as Pathogenic. This variant has not been reported in the literature in individuals affected with ADAMTSL4-related conditions. This variant is not present in population databases (gnomAD no frequency). This sequence change creates a premature translational stop signal (p.Ser220Cysfs*14) in the ADAMTSL4 gene. It is expected to result in an absent or disrupted protein product. Loss-of-function variants in ADAMTSL4 are known to be pathogenic (PMID: 20564469, 28642162).

Literature cited by the submitters: PubMed 20564469; PubMed 28642162.